The following is an entry in ClinVar:

ClinVar aggregate classification (germline): Likely benign (1 of 4 stars; one submission).

Conditions:
Familial intrahepatic cholestasis. Identifiers: Orphanet 284385, MedGen CN296401, MONDO:0017290.

Submission:

Genomenon, Inc
Classification: Likely benign for Familial intrahepatic cholestasis. Last evaluated: 2026-04-14. Review status: criteria provided, single submitter. Criteria: Genomenon Sequence Variant Interpretation Standards - Updated. Collection method: curation. Allele origin: germline. Affected: no.
Comment: ABCB11 c.501A>G is a synonymous variant that retains Alanine at residue 167. This variant has been reported in the published literature (PMID:21965623;17264802). It is absent or not present at a significant frequency in gnomAD. This synonymous variant is not predicted to impact splicing. In conclusion, we classify ABCB11 p.Ala167= (c.501A>G) as a likely benign variant.

Literature cited by the submitters: PubMed 21965623; PubMed 17264802.

NM_003742.4(ABCB11):c.501A>G (p.Ala167=)

Gene: ABCB11 (ATP binding cassette subfamily B member 11; minus strand). Cytogenetic location: 2q31.1.
Variant type: single nucleotide variant.
Coding change: c.501A>G on transcript NM_003742.4 (MANE Select); coding-DNA position 501, A replaced by G.
Protein change: p.Ala167=; no amino-acid change (alanine 167 retained).
Molecular consequence: synonymous variant.
Genome position (GRCh38, 1-based): chr2:168,995,459, T>C on the plus strand (A>G on the coding strand, the complement: ABCB11 is on the minus strand). VCF-style: chr2-168995459-T-C. GRCh37 (hg19) VCF-style: chr2-169851969-T-C.
Identifiers: ClinVar variation 4845938 (VCV004845938.1).